The following is an entry in ClinVar:

ClinVar aggregate classification (germline): Benign. Review status: criteria provided, multiple submitters, no conflicts (2 of 4 stars). 2 submissions from 2 submitters: Benign (2). Last evaluated 2018-06-14.

Allele frequency attached by ClinVar (database versions not stated): gnomAD exomes 0.00161; gnomAD 0.01629 and 0.01746; TOPMed 0.01795; 1000 Genomes Project 0.01797; 1000 Genomes Project 30x 0.01874.
gnomAD v4.1: 4,043 of 1,066,056 alleles (0.38%); highest among the groups gnomAD compares: African/African-American, 5.5%; 94 homozygotes.

Submissions (2):

GeneDx
Classification: Benign. Last evaluated: 2018-06-14. Review status: criteria provided, single submitter. Criteria: GeneDx Variant Classification (06012015). Collection method: clinical testing. Allele origin: germline. Affected: yes.
Comment: This variant is considered likely benign or benign based on one or more of the following criteria: it is a conservative change, it occurs at a poorly conserved position in the protein, it is predicted to be benign by multiple in silico algorithms, and/or has population frequency not consistent with disease.

Breakthrough Genomics
Classification: Benign. Review status: criteria provided, single submitter. Criteria: ACMG Guidelines, 2015. Collection method: not provided. Allele origin: germline. Inheritance: Autosomal recessive inheritance. Affected: yes.

NM_001195518.2(MICU1):c.1271-118G>A

Gene: MICU1 (mitochondrial calcium uptake 1; minus strand). Cytogenetic location: 10q22.1.
Variant type: single nucleotide variant.
Coding change: c.1271-118G>A on transcript NM_001195518.2 (MANE Select); 118 bases into the intron before coding-DNA position 1271, G replaced by A.
Molecular consequence: intron variant.
Genome position (GRCh38, 1-based): chr10:72,368,473, C>T on the plus strand (G>A on the coding strand, the complement: MICU1 is on the minus strand). VCF-style: chr10-72368473-C-T. GRCh37 (hg19) VCF-style: chr10-74128231-C-T.
Other names: c.1277-118G>A (NM_006077.4); c.1289-118G>A (NM_001363513.2); c.677-118G>A (NM_001195519.2).
Identifiers: ClinVar variation 677084 (VCV000677084.2), dbSNP rs76153463, ClinGen allele CA13292602.